The following is an entry in ClinVar:

NM_014874.4(MFN2):c.1269G>A (p.Thr423=)

Gene: MFN2 (mitofusin 2; plus strand). Cytogenetic location: 1p36.22.
Variant type: single nucleotide variant.
Coding change: c.1269G>A on transcript NM_014874.4 (MANE Select); coding-DNA position 1269, G replaced by A.
Protein change: p.Thr423=; no amino-acid change (threonine 423 retained).
Molecular consequence: synonymous variant.
Genome position (GRCh38, 1-based): chr1:12,004,100, G>A. VCF-style: chr1-12004100-G-A. GRCh37 (hg19) VCF-style: chr1-12064157-G-A.
Other names: p.Thr423=; c.1269G>A, p.Thr423= (NM_001127660.2).
Identifiers: ClinVar variation 292374 (VCV000292374.21), dbSNP rs145994616, ClinGen allele CA599061.

ClinVar aggregate classification (germline): Conflicting classifications of pathogenicity. Review status: criteria provided, conflicting classifications (1 of 4 stars). 7 submissions from 6 submitters: Uncertain significance (2); Likely benign (5). Last evaluated 2026-07-09.

Conditions:
MFN2-related disorder. Also called: MFN2-related condition; MFN2-related disorders.
Inborn genetic diseases. Identifiers: MedGen C0950123, MeSH D030342.
Charcot-Marie-Tooth disease. Also called: Charcot-Marie-Tooth Hereditary Neuropathy; Charcot-Marie-Tooth Neuropathy. Identifiers: Orphanet 166, MedGen C0007959, MONDO:0015626.
Hereditary motor and sensory neuropathy with optic atrophy. Also called: CHARCOT-MARIE-TOOTH DISEASE, TYPE 6; PERIPHERAL NEUROPATHY AND OPTIC ATROPHY. Identifiers: Orphanet 90120, MedGen C0393807, MONDO:0019551.
Charcot-Marie-Tooth disease type 2. Also called: Charcot-Marie-Tooth type 2. Identifiers: Orphanet 64746, MedGen C0270914, MONDO:0018993.

Allele frequency attached by ClinVar (database versions not stated): ExAC 0.00001; gnomAD 0.00003 and 0.00004; gnomAD exomes 0.00003; TOPMed 0.00004; ESP Exome Variant Server 0.00008.
gnomAD v4.1: 112 of 1,614,012 alleles (0.0069%); highest among the groups gnomAD compares: Middle Eastern, 0.033%; 1 homozygote.

Submissions (7):

PreventionGenetics, part of Exact Sciences
Classification: Likely benign for MFN2-related condition. Last evaluated: 2026-07-09. Review status: criteria provided, single submitter. Criteria: ACMG Guidelines, 2015. Collection method: clinical testing. Allele origin: germline.
Comment: This variant is classified as likely benign based on ACMG/AMP sequence variant interpretation guidelines (Richards et al. 2015 PMID: 25741868, with internal and published modifications).

Labcorp Genetics (formerly Invitae), Labcorp
Classification: Likely benign for Charcot-Marie-Tooth disease type 2. Last evaluated: 2026-01-18. Review status: criteria provided, single submitter. Criteria: Invitae Variant Classification Sherloc (09022015). Collection method: clinical testing. Allele origin: germline.

Mayo Clinic Laboratories, Mayo Clinic
Classification: Likely benign. Last evaluated: 2025-03-17. Review status: criteria provided, single submitter. Criteria: ACMG Guidelines, 2015. Collection method: clinical testing. Allele origin: germline. Observed: 1 variant allele.
Comment: BP4, BP7

Ambry Genetics
Classification: Likely benign for Inborn genetic diseases. Last evaluated: 2019-07-11. Review status: criteria provided, single submitter. Criteria: Ambry Variant Classification Scheme 2023. Collection method: clinical testing. Allele origin: germline.

Illumina Laboratory Services, Illumina
Classification: Uncertain significance for Neuropathy, hereditary motor and sensory, type 6A. Last evaluated: 2018-01-12. Review status: criteria provided, single submitter. Criteria: ICSL Variant Classification Criteria 13 December 2019. Collection method: clinical testing. Allele origin: germline.

Illumina Laboratory Services, Illumina
Classification: Uncertain significance for Charcot-Marie-Tooth disease, type 2. Last evaluated: 2018-01-12. Review status: criteria provided, single submitter. Criteria: ICSL Variant Classification Criteria 13 December 2019. Collection method: clinical testing. Allele origin: germline.

Molecular Genetics Laboratory, London Health Sciences Centre
Classification: Likely benign for Charcot-Marie-Tooth disease. Review status: criteria provided, single submitter. Criteria: ACMG Guidelines, 2015. Collection method: clinical testing. Allele origin: germline. Affected: yes.